The following is an entry in ClinVar:

ClinVar aggregate classification (germline): Uncertain significance (1 of 4 stars; one submission).

Allele frequency attached by ClinVar (database versions not stated): ExAC 0.00001; gnomAD exomes 0.00001; gnomAD 0.00003; TOPMed 0.00005; ESP Exome Variant Server 0.00008.
gnomAD v4.1: 14 of 1,613,694 alleles (0.00087%); highest among the groups gnomAD compares: African/African-American, 0.0027%; no homozygotes.

Submission:

Labcorp Genetics (formerly Invitae), Labcorp
Classification: Uncertain significance. Last evaluated: 2022-11-20. Review status: criteria provided, single submitter. Criteria: Invitae Variant Classification Sherloc (09022015). Collection method: clinical testing. Allele origin: germline.
Comment: This variant is present in population databases (rs377353091, gnomAD 0.004%). This sequence change replaces arginine, which is basic and polar, with cysteine, which is neutral and slightly polar, at codon 721 of the SULF1 protein (p.Arg721Cys). This variant has not been reported in the literature in individuals affected with SULF1-related conditions. Algorithms developed to predict the effect of missense changes on protein structure and function are either unavailable or do not agree on the potential impact of this missense change (SIFT: "Deleterious"; PolyPhen-2: "Possibly Damaging"; Align-GVGD: "Class C0"). In summary, the available evidence is currently insufficient to determine the role of this variant in disease. Therefore, it has been classified as a Variant of Uncertain Significance.

NM_001128205.2(SULF1):c.2161C>T (p.Arg721Cys)

Gene: SULF1 (sulfatase 1; plus strand). Cytogenetic location: 8q13.3.
Variant type: single nucleotide variant.
Coding change: c.2161C>T on transcript NM_001128205.2 (MANE Select); coding-DNA position 2161, C replaced by T.
Protein change: p.Arg721Cys; replaces arginine 721 with cysteine.
Molecular consequence: missense variant. On other transcripts: non-coding transcript variant (7).
Genome position (GRCh38, 1-based): chr8:69,629,556, C>T. VCF-style: chr8-69629556-C-T. GRCh37 (hg19) VCF-style: chr8-70541791-C-T.
Other names: c.2161C>T, p.Arg721Cys (NM_001128204.2, NM_001128206.2, NM_001412843.1 and 10 more transcripts); c.2032C>T, p.Arg678Cys (NM_001412838.1, NM_001412839.1, NM_001412840.1 and 1 more transcripts); c.1975C>T, p.Arg659Cys (NM_001412841.1, NM_001412842.1); c.1561C>T, p.Arg521Cys (NM_001412844.1, NM_001412845.1); c.370C>T, p.Arg124Cys (NM_001412846.1); c.2104C>T, p.Arg702Cys (NM_001412836.1, NM_001412837.1); short protein forms R124C, R721C, R659C, R521C, R678C, R702C.
Identifiers: ClinVar variation 2960171 (VCV002960171.3), dbSNP rs377353091, ClinGen allele CA4776093.